The following is an entry in ClinVar:

ClinVar aggregate classification (germline): Pathogenic/Likely pathogenic. Review status: criteria provided, multiple submitters, no conflicts (2 of 4 stars). 2 submissions from 2 submitters: Pathogenic (1); Likely pathogenic (1). Last evaluated 2023-10-26.

Conditions:
Polycystic kidney disease 4 (PKD4). Also called: POLYCYSTIC KIDNEY AND HEPATIC DISEASE 1; POLYCYSTIC KIDNEY DISEASE, INFANTILE, TYPE I; PKD3; POLYCYSTIC KIDNEY DISEASE 4 WITH OR WITHOUT POLYCYSTIC LIVER DISEASE; Autosomal Recessive Polycystic Kidney Disease – PKHD1. Identifiers: MedGen C4540575, MONDO:0033004, OMIM 263200.
Autosomal recessive polycystic kidney disease (ARPKD). Also called: AR polycystic kidney disease. Identifiers: Orphanet 731, Orphanet 8378, MedGen C0085548, MeSH D017044, MONDO:0009889.

Submissions (2):

Baylor Genetics
Classification: Likely pathogenic for Polycystic kidney disease 4. Last evaluated: 2023-10-26. Review status: criteria provided, single submitter. Criteria: ACMG Guidelines, 2015. Collection method: clinical testing. Allele origin: unknown.

Labcorp Genetics (formerly Invitae), Labcorp
Classification: Pathogenic for Autosomal recessive polycystic kidney disease. Last evaluated: 2023-03-19. Review status: criteria provided, single submitter. Criteria: Invitae Variant Classification Sherloc (09022015). Collection method: clinical testing. Allele origin: germline.
Comment: For these reasons, this variant has been classified as Pathogenic. This variant has not been reported in the literature in individuals affected with PKHD1-related conditions. This variant is not present in population databases (gnomAD no frequency). This sequence change creates a premature translational stop signal (p.Trp1934Glyfs*40) in the PKHD1 gene. It is expected to result in an absent or disrupted protein product. Loss-of-function variants in PKHD1 are known to be pathogenic (PMID: 19940839).

Literature cited by the submitters: PubMed 19940839 (cited by Labcorp Genetics (formerly Invitae), Labcorp).

NM_138694.4(PKHD1):c.5799del (p.Trp1934fs)

Gene: PKHD1 (PKHD1 ciliary IPT domain containing fibrocystin/polyductin; minus strand). Cytogenetic location: 6p12.2.
Variant type: Deletion.
Coding change: c.5799del on transcript NM_138694.4 (MANE Select); coding-DNA position 5799, one base deleted (C; older notation c.5799delC).
Protein change: p.Trp1934fs; shifts the reading frame from tryptophan 1934.
Molecular consequence: frameshift variant.
Genome position (GRCh38, 1-based): chr6:51,959,979, G deleted on the plus strand (C on the coding strand, the reverse complement: PKHD1 is on the minus strand). VCF-style (leftmost placement, unchanged base first): chr6-51959978-AG-A. GRCh37 (hg19) VCF-style: chr6-51824776-AG-A.
Other names: c.5799del, p.Trp1934fs (NM_170724.3); short protein forms W1934fs.
Identifiers: ClinVar variation 2677770 (VCV002677770.4), dbSNP rs2537380867, ClinGen allele CA2695198869.
Genomic context (GRCh38, chr6:51,959,978, plus strand): 5'-GCAATTGGCCATTCTCCACTGTGACGTTGTCGCCATCTTGTGGCAGCCTTTCAGGAAACC[AG>A]CTGTGAGTCCTGGACCATCTCCGGCAGAACTGTAAAGAAAAGTTGCCCTGGAAAACAGAG-3'